The following is an entry in ClinVar:

ClinVar aggregate classification (germline): Uncertain significance (1 of 4 stars; one submission).

Conditions:
Hypertrophic cardiomyopathy. Also called: HYPERTROPHIC MYOCARDIOPATHY. Identifiers: Orphanet 217569, MedGen C0007194, MeSH D002312, MONDO:0005045, HP:0001639.

Submission:

All of Us Research Program, National Institutes of Health
Classification: Uncertain significance for Hypertrophic cardiomyopathy. Last evaluated: 2023-10-23. Review status: criteria provided, single submitter. Criteria: ACMG Guidelines, 2015. Collection method: clinical testing. Allele origin: germline. Inheritance: Autosomal dominant inheritance. Observed: 1 variant allele, 1 heterozygote.
Comment: This variant causes a C to A nucleotide substitution at the -13 position of intron 1 of the MYBPC3 gene. To our knowledge, functional studies have not been reported for this variant. This variant has not been reported in individuals affected with MYBPC3-related disorders in the literature. This variant has not been identified in the general population by the Genome Aggregation Database (gnomAD). The available evidence is insufficient to determine the role of this variant in disease conclusively. Therefore, this variant is classified as a Variant of Uncertain Significance.

This study involves interpretation of variants in research participants for the purpose of population health screening. Participant phenotype was not available at the time of variant classification. Additional details can be found in publication PMID: 35346344, PMCID: PMC8962531

NM_000256.3(MYBPC3):c.26-13C>A

Gene: MYBPC3 (myosin binding protein C3; minus strand). Cytogenetic location: 11p11.2.
Variant type: single nucleotide variant.
Coding change: c.26-13C>A on transcript NM_000256.3 (MANE Select); 13 bases into the intron before coding-DNA position 26, C replaced by A.
Molecular consequence: intron variant.
Genome position (GRCh38, 1-based): chr11:47,351,518, G>T on the plus strand (C>A on the coding strand, the complement: MYBPC3 is on the minus strand). VCF-style: chr11-47351518-G-T. GRCh37 (hg19) VCF-style: chr11-47373069-G-T.
Identifiers: ClinVar variation 3074066 (VCV003074066.1), dbSNP rs1161603409, ClinGen allele CA599374266.